The following is an entry in ClinVar:

ClinVar aggregate classification (germline): Uncertain significance (1 of 4 stars; one submission).

Conditions:
Spastic paraplegia. Identifiers: MedGen C0037772, HP:0001258.

Submission:

Labcorp Genetics (formerly Invitae), Labcorp
Classification: Uncertain significance for Spastic paraplegia. Last evaluated: 2022-05-15. Review status: criteria provided, single submitter. Criteria: Invitae Variant Classification Sherloc (09022015). Collection method: clinical testing. Allele origin: germline.
Comment: In summary, the available evidence is currently insufficient to determine the role of this variant in disease. Therefore, it has been classified as a Variant of Uncertain Significance. Algorithms developed to predict the effect of missense changes on protein structure and function (SIFT, PolyPhen-2, Align-GVGD) all suggest that this variant is likely to be disruptive. This variant has not been reported in the literature in individuals affected with ZFYVE26-related conditions. This variant is not present in population databases (gnomAD no frequency). This sequence change replaces serine, which is neutral and polar, with cysteine, which is neutral and slightly polar, at codon 904 of the ZFYVE26 protein (p.Ser904Cys).

NM_015346.4(ZFYVE26):c.2710A>T (p.Ser904Cys)

Gene: ZFYVE26 (zinc finger FYVE-type containing 26; minus strand). Cytogenetic location: 14q24.1.
Variant type: single nucleotide variant.
Coding change: c.2710A>T on transcript NM_015346.4 (MANE Select); coding-DNA position 2710, A replaced by T.
Protein change: p.Ser904Cys; replaces serine 904 with cysteine.
Molecular consequence: missense variant.
Genome position (GRCh38, 1-based): chr14:67,790,617, T>A on the plus strand (A>T on the coding strand, the complement: ZFYVE26 is on the minus strand). VCF-style: chr14-67790617-T-A. GRCh37 (hg19) VCF-style: chr14-68257334-T-A.
Other names: short protein forms S904C.
Identifiers: ClinVar variation 1994806 (VCV001994806.4), dbSNP rs2502832199, ClinGen allele CA390173844.